The following is an entry in ClinVar:

NM_002618.4(PEX13):c.777T>C (p.Asp259=)

Gene: PEX13 (peroxisomal biogenesis factor 13; plus strand). Cytogenetic location: 2p15.
Variant type: single nucleotide variant.
Coding change: c.777T>C on transcript NM_002618.4 (MANE Select); coding-DNA position 777, T replaced by C.
Protein change: p.Asp259=; no amino-acid change (aspartic acid 259 retained).
Molecular consequence: synonymous variant.
Genome position (GRCh38, 1-based): chr2:61,032,103, T>C. VCF-style: chr2-61032103-T-C. GRCh37 (hg19) VCF-style: chr2-61259238-T-C.
Other names: c.777T>C (NM_002618.3).
Identifiers: ClinVar variation 1464223 (VCV001464223.33), dbSNP rs781350418, ClinGen allele CA1673347.

ClinVar aggregate classification (germline): Likely benign. Review status: criteria provided, multiple submitters, no conflicts (2 of 4 stars). 4 submissions from 4 submitters: Likely benign (3). 1 of the submissions does not count toward it. Last evaluated 2025-12-05.

Conditions:
PEX13-related disorder. Also called: PEX13-related condition; PEX13-related disorders.
Peroxisome biogenesis disorder 11A (Zellweger). Also called: Peroxisome biogenesis disorder 11A. Identifiers: Orphanet 912, MedGen C3554000, MONDO:0013949, OMIM 614883.

Allele frequency attached by ClinVar (database versions not stated): TOPMed 0.00002; ExAC 0.00003; gnomAD exomes 0.00003 and 0.00004; gnomAD 0.00001 and 0.00002.
gnomAD v4.1: 54 of 1,609,592 alleles (0.0034%); highest among the groups gnomAD compares: Non-Finnish European, 0.0043%; no homozygotes.

Submissions (4):

Labcorp Genetics (formerly Invitae), Labcorp
Classification: Likely benign for Peroxisome biogenesis disorder 11A (Zellweger). Last evaluated: 2025-12-05. Review status: criteria provided, single submitter. Criteria: Invitae Variant Classification Sherloc (09022015). Collection method: clinical testing. Allele origin: germline.

Blueprint Genetics
Classification: Likely benign. Last evaluated: 2024-07-03. Review status: criteria provided, single submitter. Criteria: ACMG Guidelines, 2015. Collection method: clinical testing. Allele origin: germline.

CeGaT Center for Human Genetics Tuebingen
Classification: Likely benign. Last evaluated: 2022-08-01. Review status: criteria provided, single submitter. Criteria: CeGaT Center For Human Genetics Tuebingen Variant Classification Criteria Version 2. Collection method: clinical testing. Allele origin: germline. Affected: yes. Observed: 1 variant allele.
Comment: PEX13: BP4, BP7

PreventionGenetics, part of Exact Sciences
Classification: Likely benign for PEX13-related condition. Last evaluated: 2024-04-12. Review status: no assertion criteria provided. Collection method: clinical testing. Allele origin: germline. Not counted in ClinVar's aggregate classification.
Comment: This variant is classified as likely benign based on ACMG/AMP sequence variant interpretation guidelines (Richards et al. 2015 PMID: 25741868, with internal and published modifications).